The following is an entry in ClinVar:

NM_000551.4(VHL):c.411G>T (p.Val137=)

Genes: VHL (von Hippel-Lindau tumor suppressor; plus strand), LOC107303340 (3p25 von Hippel-Lindau tumor suppressor, E3 ubiquitin protein ligase Alu-mediated recombination region; plus strand). Cytogenetic location: 3p25.3.
Variant type: single nucleotide variant.
Coding change: c.411G>T on transcript NM_000551.4 (MANE Select); coding-DNA position 411, G replaced by T.
Protein change: p.Val137=; no amino-acid change (valine 137 retained).
Molecular consequence: synonymous variant. On other transcripts: non-coding transcript variant (1), intron variant (2).
Genome position (GRCh38, 1-based): chr3:10,146,584, G>T. VCF-style: chr3-10146584-G-T. GRCh37 (hg19) VCF-style: chr3-10188268-G-T.
Other names: c.*18-3203G>T (NM_001354723.2); c.341-3203G>T (NM_198156.3).
Identifiers: ClinVar variation 4071093 (VCV004071093.1).
Genomic context (GRCh38, chr3:10,146,584, plus strand): 5'-GCTCTTCAGAGATGCAGGGACACACGATGGGCTTCTGGTTAACCAAACTGAATTATTTGT[G>T]CCATCTCTCAATGTTGACGGACAGCCTATTTTTGCCAATATCACACTGCCAGGTACTGAC-3'
Protein context (NP_000542.1, residues 127-147): GLLVNQTELF[Val137=]PSLNVDGQPI

ClinVar aggregate classification (germline): Benign (1 of 4 stars; one submission).

Conditions:
Von Hippel-Lindau syndrome (VHLS). Also called: Von Hippel-Lindau; von Hippel–Lindau syndrome; VHL syndrome. Identifiers: Orphanet 892, MedGen C0019562, MONDO:0008667, OMIM 193300. Disease mechanism: loss of function.

Submission:

Myriad Genetics, Inc.
Classification: Benign for Von Hippel-Lindau syndrome. Last evaluated: 2025-06-12. Review status: criteria provided, single submitter. Criteria: Myriad Autosomal Dominant, Autosomal Recessive and X-Linked Classification Criteria (2023). Collection method: clinical testing. Allele origin: unknown.
Comment: This variant is considered benign. This variant is a silent/synonymous amino acid change and it is not expected to impact splicing.